The following is an entry in ClinVar:

ClinVar aggregate classification (germline): Uncertain significance (1 of 4 stars; one submission).

Submission:

Labcorp Genetics (formerly Invitae), Labcorp
Classification: Uncertain significance. Last evaluated: 2022-03-28. Review status: criteria provided, single submitter. Criteria: Invitae Variant Classification Sherloc (09022015). Collection method: clinical testing. Allele origin: germline.
Comment: This variant has not been reported in the literature in individuals affected with MSH3-related conditions. In summary, the available evidence is currently insufficient to determine the role of this variant in disease. Therefore, it has been classified as a Variant of Uncertain Significance. Algorithms developed to predict the effect of missense changes on protein structure and function are either unavailable or do not agree on the potential impact of this missense change (SIFT: "Deleterious"; PolyPhen-2: "Probably Damaging"; Align-GVGD: "Class C0"). This variant is not present in population databases (gnomAD no frequency). This sequence change replaces isoleucine, which is neutral and non-polar, with asparagine, which is neutral and polar, at codon 918 of the MSH3 protein (p.Ile918Asn).

NM_002439.5(MSH3):c.2753T>A (p.Ile918Asn)

Gene: MSH3 (mutS homolog 3; plus strand). Cytogenetic location: 5q14.1.
Variant type: single nucleotide variant.
Coding change: c.2753T>A on transcript NM_002439.5 (MANE Select); coding-DNA position 2753, T replaced by A.
Protein change: p.Ile918Asn; replaces isoleucine 918 with asparagine.
Molecular consequence: missense variant.
Genome position (GRCh38, 1-based): chr5:80,813,681, T>A. VCF-style: chr5-80813681-T-A. GRCh37 (hg19) VCF-style: chr5-80109500-T-A.
Other names: short protein forms I918N.
Identifiers: ClinVar variation 2118704 (VCV002118704.4), dbSNP rs746195165, ClinGen allele CA360274006.